The following is an entry in ClinVar:

ClinVar aggregate classification (germline): Uncertain significance (1 of 4 stars; one submission).

Conditions:
Diffuse cerebral and cerebellar atrophy - intractable seizures - progressive microcephaly syndrome. Also called: Microcephaly, progressive, with seizures and cerebral and cerebellar atrophy. Identifiers: Orphanet 404437, MedGen C4014239, MONDO:0014335, OMIM 615760.

Allele frequency attached by ClinVar (database versions not stated): gnomAD 0.00001.
gnomAD v4.1: 1 of 1,614,040 alleles (0.000062%); highest among the groups gnomAD compares: Non-Finnish European, 0.000085%; no homozygotes.

Submission:

Labcorp Genetics (formerly Invitae), Labcorp
Classification: Uncertain significance for Diffuse cerebral and cerebellar atrophy - intractable seizures - progressive microcephaly syndrome. Last evaluated: 2021-09-03. Review status: criteria provided, single submitter. Criteria: Invitae Variant Classification Sherloc (09022015). Collection method: clinical testing. Allele origin: germline.
Comment: This sequence change replaces aspartic acid with histidine at codon 475 of the QARS protein (p.Asp475His). The aspartic acid residue is moderately conserved and there is a moderate physicochemical difference between aspartic acid and histidine. This variant is not present in population databases (ExAC no frequency). This variant has not been reported in the literature in individuals affected with QARS-related conditions. Algorithms developed to predict the effect of missense changes on protein structure and function are either unavailable or do not agree on the potential impact of this missense change (SIFT: "Tolerated"; PolyPhen-2: "Probably Damaging"; Align-GVGD: "Class C0"). In summary, the available evidence is currently insufficient to determine the role of this variant in disease. Therefore, it has been classified as a Variant of Uncertain Significance.

NM_005051.3(QARS1):c.1423G>C (p.Asp475His)

Gene: QARS1 (glutaminyl-tRNA synthetase 1; minus strand). Cytogenetic location: 3p21.31.
Variant type: single nucleotide variant.
Coding change: c.1423G>C on transcript NM_005051.3 (MANE Select); coding-DNA position 1423, G replaced by C.
Protein change: p.Asp475His; replaces aspartic acid 475 with histidine.
Molecular consequence: missense variant. On other transcripts: non-coding transcript variant (1).
Genome position (GRCh38, 1-based): chr3:49,099,613, C>G on the plus strand (G>C on the coding strand, the complement: QARS1 is on the minus strand). VCF-style: chr3-49099613-C-G. GRCh37 (hg19) VCF-style: chr3-49137046-C-G.
Other names: c.1390G>C, p.Asp464His (NM_001272073.2); short protein forms D464H, D475H.
Identifiers: ClinVar variation 1379471 (VCV001379471.6), dbSNP rs1367183765, ClinGen allele CA352706680.